The following is an entry in ClinVar:

ClinVar aggregate classification (germline): Likely pathogenic. Review status: criteria provided, multiple submitters, no conflicts (2 of 4 stars). 2 submissions from 2 submitters: Likely pathogenic (2). Last evaluated 2024-03-18.

Conditions:
Hemochromatosis type 3 (HFE3). Also called: Hereditary hemochromatosis type 3; HEMOCHROMATOSIS DUE TO DEFECT IN TRANSFERRIN RECEPTOR 2; TFR2-Related Hemochromatosis. Identifiers: Orphanet 225123, MedGen C1858664, MONDO:0011417, OMIM 604250.
Hereditary hemochromatosis (HFE). Identifiers: MedGen C0392514, MONDO:0006507. Disease mechanism: loss of function.

Allele frequency attached by ClinVar (database versions not stated): gnomAD 0.00001; gnomAD exomes 0.00001; TOPMed 0.00001.

Submissions (2):

Baylor Genetics
Classification: Likely pathogenic for Hemochromatosis type 3. Last evaluated: 2024-03-18. Review status: criteria provided, single submitter. Criteria: ACMG Guidelines, 2015. Collection method: clinical testing. Allele origin: unknown.

Labcorp Genetics (formerly Invitae), Labcorp
Classification: Likely pathogenic for Hereditary hemochromatosis. Last evaluated: 2022-11-15. Review status: criteria provided, single submitter. Criteria: Invitae Variant Classification Sherloc (09022015). Collection method: clinical testing. Allele origin: germline.
Comment: In summary, the currently available evidence indicates that the variant is pathogenic, but additional data are needed to prove that conclusively. Therefore, this variant has been classified as Likely Pathogenic. Algorithms developed to predict the effect of sequence changes on RNA splicing suggest that this variant may disrupt the consensus splice site. This variant has not been reported in the literature in individuals affected with TFR2-related conditions. This variant is present in population databases (no rsID available, gnomAD 0.0009%). This sequence change affects an acceptor splice site in intron 11 of the TFR2 gene. It is expected to disrupt RNA splicing. Variants that disrupt the donor or acceptor splice site typically lead to a loss of protein function (PMID: 16199547), and loss-of-function variants in TFR2 are known to be pathogenic (PMID: 23600741, 26029709).

Literature cited by the submitters: PubMed 16199547 (cited by Labcorp Genetics (formerly Invitae), Labcorp); PubMed 23600741 (cited by Labcorp Genetics (formerly Invitae), Labcorp); PubMed 26029709 (cited by Labcorp Genetics (formerly Invitae), Labcorp).

NM_003227.4(TFR2):c.1474-1G>A

Gene: TFR2 (transferrin receptor 2; minus strand). Cytogenetic location: 7q22.1.
Variant type: single nucleotide variant.
Coding change: c.1474-1G>A on transcript NM_003227.4 (MANE Select); the canonical splice acceptor site of the intron before coding-DNA position 1474, G replaced by A.
Molecular consequence: splice acceptor variant.
Genome position (GRCh38, 1-based): chr7:100,628,137, C>T on the plus strand (G>A on the coding strand, the complement: TFR2 is on the minus strand). VCF-style: chr7-100628137-C-T. GRCh37 (hg19) VCF-style: chr7-100225760-C-T.
Other names: c.961-1G>A (NM_001206855.3).
Identifiers: ClinVar variation 2195116 (VCV002195116.6), dbSNP rs931476373, ClinGen allele CA163276351.